The following is an entry in ClinVar:

ClinVar aggregate classification (germline): Likely benign. Review status: criteria provided, multiple submitters, no conflicts (2 of 4 stars). 2 submissions from 2 submitters: Likely benign (2). Last evaluated 2026-09-03.

Conditions:
SHPK-related disorder. Also called: SHPK-related condition.

Allele frequency attached by ClinVar (database versions not stated): gnomAD 0.00005; ExAC 0.00007; TOPMed 0.00013.
gnomAD v4.1: 83 of 1,613,706 alleles (0.0051%); highest among the groups gnomAD compares: East Asian, 0.049%; no homozygotes.

Submissions (2):

PreventionGenetics, part of Exact Sciences
Classification: Likely benign for SHPK-related condition. Last evaluated: 2026-09-03. Review status: criteria provided, single submitter. Criteria: ACMG Guidelines, 2015. Collection method: clinical testing. Allele origin: germline.
Comment: This variant is classified as likely benign based on ACMG/AMP sequence variant interpretation guidelines (Richards et al. 2015 PMID: 25741868, with internal and published modifications).

Labcorp Genetics (formerly Invitae), Labcorp
Classification: Likely benign. Last evaluated: 2024-01-25. Review status: criteria provided, single submitter. Criteria: Invitae Variant Classification Sherloc (09022015). Collection method: clinical testing. Allele origin: germline.

NM_013276.4(SHPK):c.453G>A (p.Thr151=)

Genes: SHPK (sedoheptulokinase; minus strand), LOC126862464 (MED14-independent group 3 enhancer GRCh37_chr17:3526895-3528094; plus strand). Cytogenetic location: 17p13.2.
Variant type: single nucleotide variant.
Coding change: c.453G>A on transcript NM_013276.4 (MANE Select); coding-DNA position 453, G replaced by A.
Protein change: p.Thr151=; no amino-acid change (threonine 151 retained).
Molecular consequence: synonymous variant.
Genome position (GRCh38, 1-based): chr17:3,624,089, C>T on the plus strand (G>A on the coding strand, the complement: SHPK is on the minus strand). VCF-style: chr17-3624089-C-T. GRCh37 (hg19) VCF-style: chr17-3527383-C-T.
Other names: c.453G>A (NM_013276.2).
Identifiers: ClinVar variation 2756028 (VCV002756028.4), dbSNP rs753214804, ClinGen allele CA8291331.
Genomic context (GRCh38, chr17:3,624,089, plus strand): 5'-AAAGTGCAGTTGCCCGTACCGATATTTCAAAAGCCAGAAGATGGTTGCACAGCCGAAGCC[C>T]GTGGCCACACTGAGATGAGACTTCGGCTGGGGCAGAGAGGCCAGGAATTCGCTGCTACAT-3'
Protein context (NP_037408.2, residues 141-161): PQPKSHLSVA[Thr151=]GFGCATIFWL